The following is an entry in ClinVar:

ClinVar aggregate classification (germline): Pathogenic (1 of 4 stars; one submission).

Submission:

Labcorp Genetics (formerly Invitae), Labcorp
Classification: Pathogenic. Last evaluated: 2023-03-03. Review status: criteria provided, single submitter. Criteria: Invitae Variant Classification Sherloc (09022015). Collection method: clinical testing. Allele origin: germline.
Comment: For these reasons, this variant has been classified as Pathogenic. This variant has not been reported in the literature in individuals affected with DGAT1-related conditions. This variant is not present in population databases (gnomAD no frequency). This sequence change creates a premature translational stop signal (p.Glu359Serfs*61) in the DGAT1 gene. It is expected to result in an absent or disrupted protein product. Loss-of-function variants in DGAT1 are known to be pathogenic (PMID: 29604290).

Literature cited by the submitters: PubMed 29604290.

NM_012079.6(DGAT1):c.1075del (p.Glu359fs)

Genes: DGAT1 (diacylglycerol O-acyltransferase 1; minus strand), LOC130001383 (ATAC-STARR-seq lymphoblastoid active region 28093; plus strand). Cytogenetic location: 8q24.3.
Variant type: Deletion.
Coding change: c.1075del on transcript NM_012079.6 (MANE Select); coding-DNA position 1075, one base deleted (G; older notation c.1075delG).
Protein change: p.Glu359fs; shifts the reading frame from glutamic acid 359.
Molecular consequence: frameshift variant.
Genome position (GRCh38, 1-based): chr8:144,317,352, C deleted on the plus strand (G on the coding strand, the reverse complement: DGAT1 is on the minus strand); the first of 3 consecutive C bases (chr8:144,317,352-144,317,354); deleting any one gives the same sequence. VCF-style (leftmost placement, unchanged base first): chr8-144317351-TC-T. GRCh37 (hg19) VCF-style: chr8-145541014-TC-T.
Other names: short protein forms E359fs.
Identifiers: ClinVar variation 2842689 (VCV002842689.3), dbSNP rs2488949493, ClinGen allele CA2739269044.